The following is an entry in ClinVar:

ClinVar aggregate classification (germline): Uncertain significance (1 of 4 stars; one submission).

Conditions:
Malignant hyperthermia, susceptibility to, 1 (MHS1). Also called: Anesthesia related hyperthermia; Malignant hyperpyrexia; Fulminating hyperpyrexia; Pharmacogenic myopathy; RYR1-Related Malignant Hyperthermia Susceptibility; Malignant hyperthermia suceptibility 1. Identifiers: Orphanet 423, MedGen C2930980, MONDO:0007783, OMIM 145600.

Submission:

All of Us Research Program, National Institutes of Health
Classification: Uncertain significance for Malignant hyperthermia, susceptibility to, 1. Last evaluated: 2024-03-05. Review status: criteria provided, single submitter. Criteria: ACMG Guidelines, 2015. Collection method: clinical testing. Allele origin: germline. Inheritance: Autosomal dominant inheritance. Observed: 1 variant allele, 1 heterozygote.
Comment: This study involves interpretation of variants in research participants for the purpose of population health screening. Participant phenotype was not available at the time of variant classification. Additional details can be found in publication PMID: 35346344, PMCID: PMC8962531

NM_000540.3(RYR1):c.1411C>G (p.Arg471Gly)

Gene: RYR1 (ryanodine receptor 1; plus strand). Cytogenetic location: 19q13.2.
Variant type: single nucleotide variant.
Coding change: c.1411C>G on transcript NM_000540.3 (MANE Select); coding-DNA position 1411, C replaced by G.
Protein change: p.Arg471Gly; replaces arginine 471 with glycine.
Molecular consequence: missense variant.
Genome position (GRCh38, 1-based): chr19:38,452,985, C>G. VCF-style: chr19-38452985-C-G. GRCh37 (hg19) VCF-style: chr19-38943625-C-G.
Other names: c.1411C>G, p.Arg471Gly (NM_001042723.2); short protein forms R471G.
Identifiers: ClinVar variation 3387644 (VCV003387644.1).